The following is an entry in ClinVar:

ClinVar aggregate classification (germline): Uncertain significance (1 of 4 stars; one submission).

Conditions:
Hereditary pancreatitis (PCTT). Also called: Hereditary chronic pancreatitis; PRSS1-Related Hereditary Pancreatitis. Identifiers: Orphanet 676, MedGen C0238339, MONDO:0008185, OMIM 167800.

Submission:

Ambry Genetics
Classification: Uncertain significance for Hereditary pancreatitis. Last evaluated: 2023-01-11. Review status: criteria provided, single submitter. Criteria: Ambry Variant Classification Scheme 2023. Collection method: clinical testing. Allele origin: germline.
Comment: The p.Q98E variant (also known as c.292C>G), located in coding exon 3 of the PRSS1 gene, results from a C to G substitution at nucleotide position 292. The glutamine at codon 98 is replaced by glutamic acid, an amino acid with highly similar properties. This amino acid position is conserved. In addition, this alteration is predicted to be tolerated by in silico analysis. Since supporting evidence is limited at this time, the clinical significance of this alteration remains unclear.

NM_002769.5(PRSS1):c.292C>G (p.Gln98Glu)

Genes: TRB (T cell receptor beta locus; plus strand), PRSS1 (serine protease 1; plus strand). Cytogenetic location: 7q34.
Variant type: single nucleotide variant.
Coding change: c.292C>G on transcript NM_002769.5 (MANE Select); coding-DNA position 292, C replaced by G.
Protein change: p.Gln98Glu; replaces glutamine 98 with glutamic acid.
Molecular consequence: missense variant. On other transcripts: non-coding transcript variant (4).
Genome position (GRCh38, 1-based): chr7:142,751,865, C>G. VCF-style: chr7-142751865-C-G. GRCh37 (hg19) VCF-style: chr7-142459716-C-G.
Other names: short protein forms Q98E.
Identifiers: ClinVar variation 2448227 (VCV002448227.2), dbSNP rs750348889, ClinGen allele CA369608685.